The following is an entry in ClinVar:

ClinVar aggregate classification (germline): Uncertain significance (1 of 4 stars; one submission).

Submission:

Labcorp Genetics (formerly Invitae), Labcorp
Classification: Uncertain significance. Last evaluated: 2023-01-24. Review status: criteria provided, single submitter. Criteria: Invitae Variant Classification Sherloc (09022015). Collection method: clinical testing. Allele origin: germline.
Comment: Algorithms developed to predict the effect of missense changes on protein structure and function are either unavailable or do not agree on the potential impact of this missense change (SIFT: "Deleterious"; PolyPhen-2: "Probably Damaging"; Align-GVGD: "Class C0"). In summary, the available evidence is currently insufficient to determine the role of this variant in disease. Therefore, it has been classified as a Variant of Uncertain Significance. ClinVar contains an entry for this variant (Variation ID: 1368329). This sequence change replaces arginine, which is basic and polar, with cysteine, which is neutral and slightly polar, at codon 80 of the PSMB4 protein (p.Arg80Cys). This variant is present in population databases (rs762622171, gnomAD 0.0009%). This variant has not been reported in the literature in individuals affected with PSMB4-related conditions.

NM_002796.3(PSMB4):c.238C>T (p.Arg80Cys)

Gene: PSMB4 (proteasome 20S subunit beta 4; plus strand). Cytogenetic location: 1q21.3.
Variant type: single nucleotide variant.
Coding change: c.238C>T on transcript NM_002796.3 (MANE Select); coding-DNA position 238, C replaced by T.
Protein change: p.Arg80Cys; replaces arginine 80 with cysteine.
Molecular consequence: missense variant.
Genome position (GRCh38, 1-based): chr1:151,400,078, C>T. VCF-style: chr1-151400078-C-T. GRCh37 (hg19) VCF-style: chr1-151372554-C-T.
Other names: short protein forms R80C.
Identifiers: ClinVar variation 1368329 (VCV001368329.6), dbSNP rs762622171, ClinGen allele CA1090607.